The following is an entry in ClinVar:

NM_020821.3(VPS13C):c.9568G>T (p.Glu3190Ter)

Gene: VPS13C (vacuolar protein sorting 13 homolog C; minus strand). Cytogenetic location: 15q22.2.
Variant type: single nucleotide variant.
Coding change: c.9568G>T on transcript NM_020821.3 (MANE Select); coding-DNA position 9568, G replaced by T.
Protein change: p.Glu3190Ter; replaces glutamic acid 3190 with a stop codon.
Molecular consequence: nonsense.
Genome position (GRCh38, 1-based): chr15:61,882,652, C>A on the plus strand (G>T on the coding strand, the complement: VPS13C is on the minus strand). VCF-style: chr15-61882652-C-A. GRCh37 (hg19) VCF-style: chr15-62174851-C-A.
Other names: c.9568G>T, p.Glu3190Ter (NM_001018088.3); c.9439G>T, p.Glu3147Ter (NM_017684.5, NM_018080.4); short protein forms E3190*, E3147*.
Identifiers: ClinVar variation 222069 (VCV000222069.2), dbSNP rs869312810, ClinGen allele CA353557.

ClinVar aggregate classification (germline): Pathogenic. Review status: criteria provided, single submitter (1 of 4 stars). 2 submissions from 2 submitters: Pathogenic (1). 1 of the submissions does not count toward it. Last evaluated 2015-11-16.

Conditions:
Autosomal recessive early-onset Parkinson disease 23. Identifiers: Orphanet 2828, MedGen C4225186, MONDO:0014796, OMIM 616840.
Parkinson disease (PD). Identifiers: MedGen C0030567, MeSH D010300, MONDO:0005180.

Submissions (2):

Brain and Spine Institute, INSERM
Classification: Pathogenic for Parkinson disease. Last evaluated: 2015-11-16. Review status: criteria provided, single submitter. Criteria: Lesage et al. (Am J Hum Genet. 2016). Collection method: research. Allele origin: unknown. Affected: yes and no. Observed: 2 variant alleles, 1 heterozygote, 1 compound heterozygote.
Comment: recessive, early-onset, rapid progression

OMIM
Classification: Pathogenic for PARKINSON DISEASE 23, AUTOSOMAL RECESSIVE EARLY-ONSET. Last evaluated: 2019-12-20. Review status: no assertion criteria provided. Collection method: literature only. Allele origin: germline. Not counted in ClinVar's aggregate classification.

Literature cited by the submitters: PubMed 26942284 (cited by OMIM).